The following is an entry in ClinVar:

ClinVar aggregate classification (germline): Uncertain significance. Review status: criteria provided, multiple submitters, no conflicts (2 of 4 stars). 4 submissions from 4 submitters: Uncertain significance (4). Last evaluated 2025-04-07.

Conditions:
Myopathy, myofibrillar, 9, with early respiratory failure (MFM9). Also called: Hereditary myopathy with early respiratory failure; EDSTROM MYOPATHY; MYOPATHY, PROXIMAL, WITH EARLY RESPIRATORY MUSCLE INVOLVEMENT; Myopathy, distal, with early respiratory failure, autosomal dominant. Identifiers: Orphanet 178464, Orphanet 34521, MedGen C1863599, MONDO:0011362, OMIM 603689.
Hypertrophic cardiomyopathy 9. Also called: Familial hypertrophic cardiomyopathy 9. Identifiers: MedGen C1861065, MONDO:0013412, OMIM 613765.
Early-onset myopathy with fatal cardiomyopathy (CMYO5). Also called: CONGENITAL MYOPATHY 5 WITH CARDIOMYOPATHY; Salih Myopathy. Identifiers: Orphanet 289377, MedGen C2673677, MONDO:0012714, OMIM 611705. Disease mechanism: loss of function.
Tibial muscular dystrophy (TMD). Also called: UDD MYOPATHY; Tibial muscular dystrophy, tardive; Udd Distal Myopathy – Tibial Muscular Dystrophy. Identifiers: Orphanet 609, MedGen C1838244, MONDO:0010870, OMIM 600334.
Autosomal recessive limb-girdle muscular dystrophy type 2J (LGMDR10). Also called: MUSCULAR DYSTROPHY, LIMB-GIRDLE, AUTOSOMAL RECESSIVE 10; Limb-girdle muscular dystrophy, type 2J. Identifiers: Orphanet 140922, MedGen C1837342, MONDO:0012127, OMIM 608807.
Dilated cardiomyopathy 1G (CMD1G). Identifiers: Orphanet 154, MedGen C1858763, MONDO:0011400, OMIM 604145.

Allele frequency attached by ClinVar (database versions not stated): gnomAD exomes below 0.00001; gnomAD 0.00001; TOPMed 0.00002.
gnomAD v4.1: 7 of 1,612,182 alleles (0.00043%); highest among the groups gnomAD compares: Admixed American, 0.0033%; no homozygotes.

Submissions (4):

Women's Health and Genetics/Laboratory Corporation of America, LabCorp
Classification: Uncertain significance. Last evaluated: 2025-04-07. Review status: criteria provided, single submitter. Criteria: LabCorp Variant Classification Summary - May 2015. Collection method: clinical testing. Allele origin: germline.
Comment: Variant summary: TTN c.17935C>T (p.Arg5979Cys) results in a non-conservative amino acid change in the encoded protein sequence. One of two in-silico tools predict a benign effect of the variant on protein function. The frequency data for this variant in gnomAD is considered unreliable, as metrics indicate poor data quality at this position. To our knowledge, no occurrence of c.17935C>T in individuals affected with Dilated Cardiomyopathy and no experimental evidence demonstrating its impact on protein function have been reported. ClinVar contains an entry for this variant (Variation ID: 466896). Based on the evidence outlined above, the variant was classified as uncertain significance.

Blueprint Genetics
Classification: Uncertain significance. Last evaluated: 2023-06-12. Review status: criteria provided, single submitter. Criteria: ACMG Guidelines, 2015. Collection method: clinical testing. Allele origin: germline.

Fulgent Genetics
Classification: Uncertain significance for Tibial muscular dystrophy; Myopathy, myofibrillar, 9, with early respiratory failure; Dilated cardiomyopathy 1G; Autosomal recessive limb-girdle muscular dystrophy type 2J; Early-onset myopathy with fatal cardiomyopathy; Hypertrophic cardiomyopathy 9. Last evaluated: 2021-09-03. Review status: criteria provided, single submitter. Criteria: ACMG Guidelines, 2015. Collection method: clinical testing. Allele origin: unknown.

Labcorp Genetics (formerly Invitae), Labcorp
Classification: Uncertain significance for Dilated cardiomyopathy 1G; Autosomal recessive limb-girdle muscular dystrophy type 2J. Last evaluated: 2017-01-04. Review status: criteria provided, single submitter. Criteria: Invitae Variant Classification Sherloc (09022015). Collection method: clinical testing. Allele origin: germline.

NM_001267550.2(TTN):c.21667C>T (p.Arg7223Cys)

Gene: TTN (titin; minus strand). Cytogenetic location: 2q31.2.
Variant type: single nucleotide variant.
Coding change: c.21667C>T on transcript NM_001267550.2 (MANE Select); coding-DNA position 21667, C replaced by T.
Protein change: p.Arg7223Cys; replaces arginine 7223 with cysteine.
Molecular consequence: missense variant. On other transcripts: intron variant (3).
Genome position (GRCh38, 1-based): chr2:178,723,433, G>A on the plus strand (C>T on the coding strand, the complement: TTN is on the minus strand). VCF-style: chr2-178723433-G-A. GRCh37 (hg19) VCF-style: chr2-179588160-G-A.
Other names: c.20716C>T, p.Arg6906Cys (NM_001256850.1); c.17935C>T, p.Arg5979Cys (NM_133378.4); c.13282+14649C>T (NM_003319.4); c.13858+14649C>T (NM_133437.4); c.13657+14649C>T (NM_133432.3); short protein forms R7223C, R6906C, R5979C.
Identifiers: ClinVar variation 466896 (VCV000466896.7), dbSNP rs1156609638, ClinGen allele CA349532722.